The following is an entry in ClinVar:

ClinVar aggregate classification (germline): Uncertain significance. Review status: criteria provided, multiple submitters, no conflicts (2 of 4 stars). 2 submissions from 2 submitters: Uncertain significance (2). Last evaluated 2023-03-11.

Conditions:
Tuberous sclerosis 2 (TSC2). Identifiers: Orphanet 805, MedGen C1860707, MONDO:0013199, OMIM 613254.
Hereditary cancer-predisposing syndrome. Also called: Hereditary neoplastic syndrome; Neoplastic Syndromes, Hereditary; Tumor predisposition; Hereditary Cancer Syndrome. Identifiers: Orphanet 140162, MedGen C0027672, MeSH D009386, MONDO:0015356.

Submissions (2):

Ambry Genetics
Classification: Uncertain significance for Hereditary cancer-predisposing syndrome. Last evaluated: 2023-03-11. Review status: criteria provided, single submitter. Criteria: Ambry Variant Classification Scheme 2023. Collection method: clinical testing. Allele origin: germline.
Comment: The p.S981R variant (also known as c.2943T>G), located in coding exon 25 of the TSC2 gene, results from a T to G substitution at nucleotide position 2943. The serine at codon 981 is replaced by arginine, an amino acid with dissimilar properties. This amino acid position is conserved. In addition, this alteration is predicted to be deleterious by in silico analysis. Since supporting evidence is limited at this time, the clinical significance of this alteration remains unclear.

Labcorp Genetics (formerly Invitae), Labcorp
Classification: Uncertain significance for Tuberous sclerosis 2. Last evaluated: 2020-07-26. Review status: criteria provided, single submitter. Criteria: Invitae Variant Classification Sherloc (09022015). Collection method: clinical testing. Allele origin: germline.
Comment: This sequence change replaces serine with arginine at codon 981 of the TSC2 protein (p.Ser981Arg). The serine residue is moderately conserved and there is a moderate physicochemical difference between serine and arginine. This variant is not present in population databases (ExAC no frequency). This variant has not been reported in the literature in individuals with TSC2-related conditions. Advanced modeling of protein sequence and biophysical properties (such as structural, functional, and spatial information, amino acid conservation, physicochemical variation, residue mobility, and thermodynamic stability) performed at Invitae indicates that this missense variant is not expected to disrupt TSC2 protein function. In summary, the available evidence is currently insufficient to determine the role of this variant in disease. Therefore, it has been classified as a Variant of Uncertain Significance.

NM_000548.5(TSC2):c.2943T>G (p.Ser981Arg)

Gene: TSC2 (TSC complex subunit 2; plus strand). Cytogenetic location: 16p13.3.
Variant type: single nucleotide variant.
Coding change: c.2943T>G on transcript NM_000548.5 (MANE Select); coding-DNA position 2943, T replaced by G.
Protein change: p.Ser981Arg; replaces serine 981 with arginine.
Molecular consequence: missense variant. On other transcripts: intron variant (9).
Genome position (GRCh38, 1-based): chr16:2,077,703, T>G. VCF-style: chr16-2077703-T-G. GRCh37 (hg19) VCF-style: chr16-2127704-T-G.
Other names: c.2943T>G, p.Ser981Arg (NM_001114382.3); c.2837+1118T>G (NM_021055.3, NM_001370405.1, NM_001363528.2 and 2 more transcripts); c.2726+1118T>G (NM_001318827.2); c.2237+1118T>G (NM_001318831.2); c.2690+1118T>G (NM_001318829.2); c.2870+1118T>G (NM_001318832.2); c.2943T>G (NM_000548.3); short protein forms S981R.
Identifiers: ClinVar variation 1043006 (VCV001043006.10), dbSNP rs1596375342, ClinGen allele CA394281462.